The following is an entry in ClinVar:

ClinVar aggregate classification (germline): Uncertain significance (1 of 4 stars; one submission).

Conditions:
Renal cell carcinoma. Identifiers: Orphanet 217071, MedGen C0007134, MeSH D002292, MONDO:0005086, HP:0005584.

Submission:

Labcorp Genetics (formerly Invitae), Labcorp
Classification: Uncertain significance for Renal cell carcinoma. Last evaluated: 2024-10-29. Review status: criteria provided, single submitter. Criteria: Invitae Variant Classification Sherloc (09022015). Collection method: clinical testing. Allele origin: germline.
Comment: This sequence change creates a premature translational stop signal (p.Gly780*) in the MET gene. It is expected to result in an absent or disrupted protein product. However, the current clinical and genetic evidence is not sufficient to establish whether loss-of-function variants in MET cause disease. This variant is not present in population databases (gnomAD no frequency). This variant has not been reported in the literature in individuals affected with MET-related conditions. In summary, the available evidence is currently insufficient to determine the role of this variant in disease. Therefore, it has been classified as a Variant of Uncertain Significance.

NM_000245.4(MET):c.2283_2298del (p.Thr761_Gly762insTer)

Gene: MET (MET proto-oncogene, receptor tyrosine kinase; plus strand). Cytogenetic location: 7q31.2.
Variant type: Deletion.
Coding change: c.2283_2298del on transcript NM_000245.4 (MANE Select); coding-DNA positions 2283 to 2298, 16 bases deleted (AGGTGTTGGGAAAAAC).
Protein change: p.Thr761_Gly762insTer.
Molecular consequence: frameshift variant.
Genome position (GRCh38, 1-based): chr7:116,759,409-116,759,424, AGGTGTTGGGAAAAAC deleted; deleting any 16 consecutive bases within chr7:116,759,406-116,759,424 gives the same sequence; the c. name uses the placement nearest the transcript's 3' end. VCF-style (leftmost placement, unchanged base first): chr7-116759405-TAACAGGTGTTGGGAAA-T. GRCh37 (hg19) VCF-style: chr7-116399459-TAACAGGTGTTGGGAAA-T.
Other names: c.2337_2352del, p.Thr779_Gly780insTer (NM_001127500.3); c.2283_2298del, p.Thr761_Gly762insTer (NM_001324401.3); c.993_1008del, p.Thr331_Gly332insTer (NM_001324402.2).
Identifiers: ClinVar variation 3658179 (VCV003658179.2).
Genomic context (GRCh38, chr7:116,759,405, plus strand): 5'-GGAAAGAACCTCTCAACATTGTCAGTTTTCTATTTTGCTTTGCCAGTGGTGGGAGCACAA[TAACAGGTGTTGGGAAA>T]AACCTGAATTCAGTTAGTGTCCCGAGAATGGTCATAAATGTGCATGAAGCAGGAAGGAAC-3'